The following is an entry in ClinVar:

NM_000343.4(SLC5A1):c.1007G>A (p.Arg336His)

Gene: SLC5A1 (solute carrier family 5 member 1; plus strand). Cytogenetic location: 22q12.3.
Variant type: single nucleotide variant.
Coding change: c.1007G>A on transcript NM_000343.4 (MANE Select); coding-DNA position 1007, G replaced by A.
Protein change: p.Arg336His; replaces arginine 336 with histidine.
Molecular consequence: missense variant.
Genome position (GRCh38, 1-based): chr22:32,085,021, G>A. VCF-style: chr22-32085021-G-A. GRCh37 (hg19) VCF-style: chr22-32481008-G-A.
Other names: c.626G>A, p.Arg209His (NM_001256314.2); short protein forms R336H, R209H.
Identifiers: ClinVar variation 803682 (VCV000803682.2), dbSNP rs774651252, ClinGen allele CA10198115.

ClinVar aggregate classification (germline): Likely pathogenic. Review status: criteria provided, multiple submitters, no conflicts (2 of 4 stars). 2 submissions from 2 submitters: Likely pathogenic (2). Last evaluated 2023-02-02.

Conditions:
Congenital glucose-galactose malabsorption (GGM). Also called: MONOSACCHARIDE MALABSORPTION; DIARRHEA 16. Identifiers: Orphanet 35710, MedGen C0268186, MONDO:0011731, OMIM 606824.

Allele frequency attached by ClinVar (database versions not stated): gnomAD exomes below 0.00001 and 0.00002; ExAC 0.00001; gnomAD 0.00001; TOPMed 0.00001.
gnomAD v4.1: 37 of 1,614,006 alleles (0.0023%); highest among the groups gnomAD compares: Non-Finnish European, 0.0029%; no homozygotes.

Submissions (2):

Laboratorio de Genetica e Diagnostico Molecular, Hospital Israelita Albert Einstein
Classification: Likely pathogenic for Congenital glucose-galactose malabsorption. Last evaluated: 2023-02-02. Review status: criteria provided, single submitter. Criteria: ACMG Guidelines, 2015. Collection method: clinical testing. Allele origin: germline. Affected: yes. Observed: 1 variant allele.
Comment: ACMG classification criteria: PM2 moderated, PM3 supporting, PM5 moderated, PP3 supporting, PP4

Mendelics
Classification: Likely pathogenic for Congenital glucose-galactose malabsorption. Last evaluated: 2019-05-28. Review status: criteria provided, single submitter. Criteria: Mendelics Assertion Criteria 2017. Collection method: clinical testing. Allele origin: unknown.